The following is an entry in ClinVar:

NM_000059.4(BRCA2):c.5321C>T (p.Pro1774Leu)

Gene: BRCA2 (BRCA2 DNA repair associated; plus strand). Cytogenetic location: 13q13.1.
Variant type: single nucleotide variant.
Coding change: c.5321C>T on transcript NM_000059.4 (MANE Select); coding-DNA position 5321, C replaced by T.
Protein change: p.Pro1774Leu; replaces proline 1774 with leucine.
Molecular consequence: missense variant.
Genome position (GRCh38, 1-based): chr13:32,339,676, C>T. VCF-style: chr13-32339676-C-T. GRCh37 (hg19) VCF-style: chr13-32913813-C-T.
Other names: short protein forms P1774L.
Identifiers: ClinVar variation 187575 (VCV000187575.13), dbSNP rs786203835, ClinGen allele CA022016.

ClinVar aggregate classification (germline): Conflicting classifications of pathogenicity. Review status: criteria provided, conflicting classifications (1 of 4 stars). 4 submissions from 4 submitters: Uncertain significance (3); Likely benign (1). Last evaluated 2024-11-12.

Conditions:
Hereditary cancer-predisposing syndrome. Also called: Neoplastic Syndromes, Hereditary; Tumor predisposition; Hereditary Cancer Syndrome; Hereditary neoplastic syndrome. Identifiers: Orphanet 140162, MedGen C0027672, MeSH D009386, MONDO:0015356.
Hereditary breast ovarian cancer syndrome. Also called: Hereditary breast and ovarian cancer; Hereditary breast and/or ovarian cancer syndrome; BRCA1- and BRCA2-Associated Hereditary Breast and Ovarian Cancer; Hereditary breast and ovarian cancer syndrome (HBOC); Hereditary breast and ovarian cancer syndrome; Breast and ovarian cancer. Identifiers: Orphanet 145, MedGen C0677776, MeSH D061325, MONDO:0003582. Disease mechanism: loss of function.

Allele frequency attached by ClinVar (database versions not stated): gnomAD exomes below 0.00001 and 0.00001.
gnomAD v4.1: 2 of 1,612,102 alleles (0.00012%); no homozygotes.

Submissions (4):

Labcorp Genetics (formerly Invitae), Labcorp
Classification: Uncertain significance for Hereditary breast ovarian cancer syndrome. Last evaluated: 2024-11-12. Review status: criteria provided, single submitter. Criteria: Invitae Variant Classification Sherloc (09022015). Collection method: clinical testing. Allele origin: germline.
Comment: This sequence change replaces proline, which is neutral and non-polar, with leucine, which is neutral and non-polar, at codon 1774 of the BRCA2 protein (p.Pro1774Leu). This variant is present in population databases (rs786203835, gnomAD 0.02%). This missense change has been observed in individual(s) with prostate cancer (PMID: 31214711). ClinVar contains an entry for this variant (Variation ID: 187575). Invitae Evidence Modeling of protein sequence and biophysical properties (such as structural, functional, and spatial information, amino acid conservation, physicochemical variation, residue mobility, and thermodynamic stability) indicates that this missense variant is not expected to disrupt BRCA2 protein function with a negative predictive value of 95%. In summary, the available evidence is currently insufficient to determine the role of this variant in disease. Therefore, it has been classified as a Variant of Uncertain Significance.

Color Diagnostics, LLC DBA Color Health
Classification: Uncertain significance for Hereditary cancer-predisposing syndrome. Last evaluated: 2023-11-13. Review status: criteria provided, single submitter. Criteria: ACMG Guidelines, 2015. Collection method: clinical testing. Allele origin: germline.
Comment: This missense variant replaces proline with leucine at codon 1774 of the BRCA2 protein. Computational prediction suggests that this variant may not impact protein structure and function (internally defined REVEL score threshold <= 0.5, PMID: 27666373). To our knowledge, functional studies have not been reported for this variant. This variant has been reported in an individual affected with prostate cancer (PMID: 31214711) and in a multifactorial analysis with co-occurrence and family history likelihood ratios for pathogenicity of 1.050 and 0.874, respectively (PMID: 31131967). This variant has been identified in 2/250582 chromosomes in the general population by the Genome Aggregation Database (gnomAD). The available evidence is insufficient to determine the role of this variant in disease conclusively. Therefore, this variant is classified as a Variant of Uncertain Significance.

Ambry Genetics
Classification: Uncertain significance for Hereditary cancer-predisposing syndrome. Last evaluated: 2023-07-21. Review status: criteria provided, single submitter. Criteria: Ambry Variant Classification Scheme 2023. Collection method: clinical testing. Allele origin: germline.
Comment: The p.P1774L variant (also known as c.5321C>T), located in coding exon 10 of the BRCA2 gene, results from a C to T substitution at nucleotide position 5321. The proline at codon 1774 is replaced by leucine, an amino acid with similar properties. This alteration has been reported with a carrier frequency of 0.00013 in 7636 unselected prostate cancer patients and not detected in 12366 male controls of Japanese ancestry (Momozawa Y et al. J Natl Cancer Inst, 2020 Apr;112:369-376). This amino acid position is not well conserved in available vertebrate species. In addition, this alteration is predicted to be tolerated by in silico analysis. Since supporting evidence is limited at this time, the clinical significance of this alteration remains unclear.

University of Washington Department of Laboratory Medicine, University of Washington
Classification: Likely benign for Hereditary cancer-predisposing syndrome. Last evaluated: 2023-03-23. Review status: criteria provided, single submitter. Criteria: Dines et al. (Genet Med. 2020). Collection method: curation. Allele origin: germline.
Comment: Missense variant in a coldspot region where missense variants are very unlikely to be pathogenic (PMID:31911673).

BRCA2 exon 11 coldspot. Reclassification based on statistical prior probability.

Literature cited by the submitters: PubMed 31214711 (cited by 3 submitters); PubMed 31131967 (cited by Color Diagnostics, LLC DBA Color Health).